The following is an entry in ClinVar:

ClinVar aggregate classification (germline): Uncertain significance. Review status: criteria provided, multiple submitters, no conflicts (2 of 4 stars). 4 submissions from 4 submitters: Uncertain significance (4). Last evaluated 2025-06-05.

Conditions:
Autosomal recessive limb-girdle muscular dystrophy type R18 (LGMDR18). Also called: Autosomal recessive limb-girdle muscular dystrophy type 2S; Limb-girdle muscular dystrophy, type 2S; MUSCULAR DYSTROPHY, LIMB-GIRDLE, AUTOSOMAL RECESSIVE 18. Identifiers: Orphanet 369840, MedGen C4517996, MONDO:0014144, OMIM 615356.
Inborn genetic diseases. Identifiers: MedGen C0950123, MeSH D030342.

Allele frequency attached by ClinVar (database versions not stated): gnomAD exomes 0.00020 and 0.00008; ESP Exome Variant Server 0.00023; gnomAD 0.00014 and 0.00015; TOPMed 0.00014; ExAC 0.00007.
gnomAD v4.1: 318 of 1,613,810 alleles (0.02%); highest among the groups gnomAD compares: Non-Finnish European, 0.025%; 1 homozygote.

Submissions (4):

Revvity Omics, Revvity
Classification: Uncertain significance for Autosomal recessive limb-girdle muscular dystrophy type R18. Last evaluated: 2025-06-05. Review status: criteria provided, single submitter. Criteria: ACMG Guidelines, 2015. Collection method: clinical testing. Allele origin: germline.

GeneDx
Classification: Uncertain significance. Last evaluated: 2025-02-27. Review status: criteria provided, single submitter. Criteria: GeneDx Variant Classification Process June 2021. Collection method: clinical testing. Allele origin: germline. Affected: yes.
Comment: Not observed at significant frequency in large population cohorts (gnomAD); In silico analysis supports that this missense variant has a deleterious effect on protein structure/function; Has not been previously published as pathogenic or benign to our knowledge

Ambry Genetics
Classification: Uncertain significance for Inborn genetic diseases. Last evaluated: 2024-07-31. Review status: criteria provided, single submitter. Criteria: Ambry Variant Classification Scheme 2023. Collection method: clinical testing. Allele origin: germline.

Labcorp Genetics (formerly Invitae), Labcorp
Classification: Uncertain significance for Autosomal recessive limb-girdle muscular dystrophy type R18. Last evaluated: 2022-10-24. Review status: criteria provided, single submitter. Criteria: Invitae Variant Classification Sherloc (09022015). Collection method: clinical testing. Allele origin: germline.
Comment: This sequence change replaces serine, which is neutral and polar, with leucine, which is neutral and non-polar, at codon 1029 of the TRAPPC11 protein (p.Ser1029Leu). This variant is present in population databases (rs201494083, gnomAD 0.01%), including at least one homozygous and/or hemizygous individual. This variant has not been reported in the literature in individuals affected with TRAPPC11-related conditions. ClinVar contains an entry for this variant (Variation ID: 662428). Advanced modeling of protein sequence and biophysical properties (such as structural, functional, and spatial information, amino acid conservation, physicochemical variation, residue mobility, and thermodynamic stability) performed at Invitae indicates that this missense variant is not expected to disrupt TRAPPC11 protein function. In summary, the available evidence is currently insufficient to determine the role of this variant in disease. Therefore, it has been classified as a Variant of Uncertain Significance.

NM_021942.6(TRAPPC11):c.3086C>T (p.Ser1029Leu)

Gene: TRAPPC11 (trafficking protein particle complex subunit 11; plus strand). Cytogenetic location: 4q35.1.
Variant type: single nucleotide variant.
Coding change: c.3086C>T on transcript NM_021942.6 (MANE Select); coding-DNA position 3086, C replaced by T.
Protein change: p.Ser1029Leu; replaces serine 1029 with leucine.
Molecular consequence: missense variant.
Genome position (GRCh38, 1-based): chr4:183,706,837, C>T. VCF-style: chr4-183706837-C-T. GRCh37 (hg19) VCF-style: chr4-184627990-C-T.
Other names: c.3086C>T, p.Ser1029Leu (NM_199053.3); c.3086C>T (NM_021942.4); short protein forms S1029L.
Identifiers: ClinVar variation 662428 (VCV000662428.10), dbSNP rs201494083, ClinGen allele CA3152437.